The following is an entry in ClinVar:

NM_015178.3(RHOBTB2):c.955del (p.His319fs)

Gene: RHOBTB2 (Rho related BTB domain containing 2; plus strand). Cytogenetic location: 8p21.3.
Variant type: Deletion.
Coding change: c.955del on transcript NM_015178.3 (MANE Select); coding-DNA position 955, one base deleted (C; older notation c.955delC).
Protein change: p.His319fs; shifts the reading frame from histidine 319.
Molecular consequence: frameshift variant.
Genome position (GRCh38, 1-based): chr8:23,007,200, C deleted; the last of 2 consecutive C bases (chr8:23,007,199-23,007,200); deleting either gives the same sequence. VCF-style (leftmost placement, unchanged base first): chr8-23007198-AC-A. GRCh37 (hg19) VCF-style: chr8-22864711-AC-A.
Other names: c.1021del (NM_001160036.1); c.1021del, p.His341fs (NM_001160036.2); c.976del, p.His326fs (NM_001160037.2); c.955del, p.His319fs (NM_001374791.1); short protein forms H341fs, H319fs, H326fs.
Identifiers: ClinVar variation 2810269 (VCV002810269.4), dbSNP rs2487010539, ClinGen allele CA913140478.

ClinVar aggregate classification (germline): Conflicting classifications of pathogenicity. Review status: criteria provided, conflicting classifications (1 of 4 stars). 2 submissions from 2 submitters: Uncertain significance (1); Likely benign (1). Last evaluated 2024-04-05.

Submissions (2):

Labcorp Genetics (formerly Invitae), Labcorp
Classification: Likely benign. Last evaluated: 2024-04-05. Review status: criteria provided, single submitter. Criteria: Invitae Variant Classification Sherloc (09022015). Collection method: clinical testing. Allele origin: germline.

GeneDx
Classification: Uncertain significance. Last evaluated: 2024-02-07. Review status: criteria provided, single submitter. Criteria: GeneDx Variant Classification Process June 2021. Collection method: clinical testing. Allele origin: germline. Affected: yes.
Comment: Not observed at significant frequency in large population cohorts (gnomAD); Frameshift variant predicted to result in protein truncation or nonsense mediated decay in a gene or region of a gene for which loss of function is not a well-established mechanism of disease; Has not been previously published as pathogenic or benign to our knowledge